The following is an entry in ClinVar:

ClinVar aggregate classification (germline): Likely benign. Review status: criteria provided, multiple submitters, no conflicts (2 of 4 stars). 2 submissions from 2 submitters: Likely benign (2). Last evaluated 2023-12-03.

Conditions:
Chondrodysplasia punctata, brachytelephalangic, autosomal. Also called: BRACHYTELEPHALANGIC CHONDRODYSPLASIA PUNCTATA. Identifiers: MedGen C1844853, MONDO:0011238, OMIM 602497.

Allele frequency attached by ClinVar (database versions not stated): ESP Exome Variant Server 0.00009.
gnomAD v4.1: 29 of 1,210,486 alleles (0.0024%); highest among the groups gnomAD compares: Non-Finnish European, 0.003%; no homozygotes.

Submissions (2):

Labcorp Genetics (formerly Invitae), Labcorp
Classification: Likely benign for Chondrodysplasia punctata, brachytelephalangic, autosomal. Last evaluated: 2023-12-03. Review status: criteria provided, single submitter. Criteria: Invitae Variant Classification Sherloc (09022015). Collection method: clinical testing. Allele origin: germline.

CeGaT Center for Human Genetics Tuebingen
Classification: Likely benign. Last evaluated: 2022-12-01. Review status: criteria provided, single submitter. Criteria: CeGaT Center For Human Genetics Tuebingen Variant Classification Criteria Version 2. Collection method: clinical testing. Allele origin: germline. Affected: yes. Observed: 1 variant allele.
Comment: ARSL: BP4, BP7

NM_000047.3(ARSL):c.1065C>A (p.Gly355=)

Gene: ARSL (arylsulfatase L; minus strand). Cytogenetic location: Xp22.33.
Variant type: single nucleotide variant.
Coding change: c.1065C>A on transcript NM_000047.3 (MANE Select); coding-DNA position 1065, C replaced by A.
Protein change: p.Gly355=; no amino-acid change (glycine 355 retained).
Molecular consequence: synonymous variant.
Genome position (GRCh38, 1-based): chrX:2,943,126, G>T on the plus strand (C>A on the coding strand, the complement: ARSL is on the minus strand). VCF-style: chrX-2943126-G-T. GRCh37 (hg19) VCF-style: chrX-2861167-G-T.
Other names: c.1140C>A, p.Gly380= (NM_001282628.2, NM_001369080.1); c.903C>A, p.Gly301= (NM_001282631.2); c.1092C>A, p.Gly364= (NM_001369079.1).
Identifiers: ClinVar variation 2073540 (VCV002073540.28), dbSNP rs376707494, ClinGen allele CA10338083.
Genomic context (GRCh38, chrX:2,943,126, plus strand): 5'-TTTATAAATTCCATTCCAGCCACCATACTGGGTGTTTCCAAGTTGATTCTCTAGGGAACC[G>T]CCGTGATCCGACGTAAAATAAATGAGGGTGCTGTTGCTCAAACCCTCCACGTCCAAAGTG-3'
Protein context (NP_000038.2, residues 345-365): STLIYFTSDH[Gly355=]GSLENQLGNT